The following is an entry in ClinVar:

NM_007294.4(BRCA1):c.357_358delinsT (p.Lys119fs)

Gene: BRCA1 (BRCA1 DNA repair associated; minus strand). Cytogenetic location: 17q21.31.
Variant type: Indel.
Coding change: c.357_358delinsT on transcript NM_007294.4 (MANE Select); coding-DNA positions 357 to 358, AG replaced by T.
Protein change: p.Lys119fs; shifts the reading frame from lysine 119.
Molecular consequence: frameshift variant. On other transcripts: non-coding transcript variant (1).
Genome position (GRCh38, 1-based): chr17:43,104,205-43,104,206, CT replaced by A on the plus strand (AG replaced by T on the coding strand, the reverse complement: BRCA1 is on the minus strand). VCF-style: chr17-43104205-CT-A. GRCh37 (hg19) VCF-style: chr17-41256222-CT-A.
Other names: 476delAGinsT; c.147_148delAGinsT, p.Lys49Asnfs (NM_001407571.1, NM_001407853.1, NM_001407879.1 and 58 more transcripts); c.357_358delAGinsT, p.Lys119Asnfs (NM_001407581.1, NM_001407582.1, NM_001407583.1 and 163 more transcripts); c.348_349delAGinsT, p.Lys116Asnfs (NM_001407646.1, NM_001407647.1, NM_001408408.1); c.279_280delAGinsT, p.Lys93Asnfs (NM_001407653.1, NM_001407654.1, NM_001407655.1 and 21 more transcripts); c.216_217delAGinsT, p.Lys72Asnfs (NM_001407692.1, NM_001407694.1, NM_001407695.1 and 98 more transcripts); c.-25_-24delAGinsT (NM_001407959.1, NM_001407960.1, NM_001407962.1 and 4 more transcripts); c.225_226delAGinsT, p.Lys75Asnfs (NM_001408451.1); and 2 more; short protein forms K119fs, K72fs.
Identifiers: ClinVar variation 266385 (VCV000266385.6), dbSNP rs886040144, ClinGen allele CA10590018.

ClinVar aggregate classification (germline): Pathogenic. Review status: reviewed by expert panel (3 of 4 stars). 2 submissions from 2 submitters: Pathogenic (1). 1 of the submissions does not count toward it. Last evaluated 2016-10-18.

Conditions:
Breast-ovarian cancer, familial, susceptibility to, 1 (BROVCA1). Also called: BRCA1 Hereditary Breast and Ovarian Cancer; OVARIAN CANCER, SUSCEPTIBILITY TO. Identifiers: Orphanet 145, MedGen C2676676, MONDO:0011450, OMIM 604370. Disease mechanism: loss of function.

Submissions (2):

Evidence-based Network for the Interpretation of Germline Mutant Alleles (ENIGMA)
Classification: Pathogenic for Breast-ovarian cancer, familial, susceptibility to, 1. Last evaluated: 2016-10-18. Review status: reviewed by expert panel. Criteria: ENIGMA BRCA1/2 Classification Criteria (2015). Collection method: curation. Allele origin: germline.
Comment: Variant allele predicted to encode a truncated non-functional protein.

Consortium of Investigators of Modifiers of BRCA1/2 (CIMBA), c/o University of Cambridge
Classification: Pathogenic for Breast-ovarian cancer, familial, susceptibility to, 1. Last evaluated: 2015-10-02. Review status: criteria provided, single submitter. Criteria: CIMBA Mutation Classification guidelines May 2016. Collection method: clinical testing. Allele origin: germline. Not counted in ClinVar's aggregate classification.